The following is an entry in ClinVar:

NM_024675.4(PALB2):c.1418C>T (p.Pro473Leu)

Gene: PALB2 (partner and localizer of BRCA2; minus strand). Cytogenetic location: 16p12.2.
Variant type: single nucleotide variant.
Coding change: c.1418C>T on transcript NM_024675.4 (MANE Select); coding-DNA position 1418, C replaced by T.
Protein change: p.Pro473Leu; replaces proline 473 with leucine.
Molecular consequence: missense variant.
Genome position (GRCh38, 1-based): chr16:23,635,128, G>A on the plus strand (C>T on the coding strand, the complement: PALB2 is on the minus strand). VCF-style: chr16-23635128-G-A. GRCh37 (hg19) VCF-style: chr16-23646449-G-A.
Other names: c.1418C>T (NM_024675.3); short protein forms P473L.
Identifiers: ClinVar variation 1015217 (VCV001015217.8), dbSNP rs1288887287, ClinGen allele CA395131310.
Genomic context (GRCh38, chr16:23,635,128, plus strand): 5'-GGCCCAGCGGGAGAGCTGACTTTAGTTAATGAGAGAAGTTTCTGAGAGGTTCTTGAACTT[G>A]GTTGTCCTGTGCATGTGCCAGACATCCTAATTTCACTTTGGTCAGTTTCCTCATTGGAAA-3'
Protein context (NP_078951.2, residues 463-483): IRMSGTCTGQ[Pro473Leu]SSRTSQKLLS

ClinVar aggregate classification (germline): Uncertain significance. Review status: criteria provided, multiple submitters, no conflicts (2 of 4 stars). 2 submissions from 2 submitters: Uncertain significance (2). Last evaluated 2026-07-06.

Conditions:
Hereditary cancer-predisposing syndrome. Also called: Tumor predisposition; Hereditary Cancer Syndrome; Hereditary neoplastic syndrome; Neoplastic Syndromes, Hereditary. Identifiers: Orphanet 140162, MedGen C0027672, MeSH D009386, MONDO:0015356.
Familial cancer of breast. Also called: Hereditary breast cancer; hereditary breast carcinoma; BREAST CANCER, FAMILIAL. Identifiers: Orphanet 227535, MedGen C0346153, MONDO:0016419, OMIM 114480. Disease mechanism: loss of function.

Allele frequency attached by ClinVar (database versions not stated): gnomAD exomes below 0.00001; gnomAD 0.00001.
gnomAD v4.1: 2 of 1,614,038 alleles (0.00012%); highest among the groups gnomAD compares: African/African-American, 0.0027%; no homozygotes.

Submissions (2):

Ambry Genetics
Classification: Uncertain significance for Hereditary cancer-predisposing syndrome. Last evaluated: 2026-07-06. Review status: criteria provided, single submitter. Criteria: Ambry Variant Classification Scheme 2023. Collection method: clinical testing. Allele origin: germline.
Comment: The p.P473L variant (also known as c.1418C>T), located in coding exon 4 of the PALB2 gene, results from a C to T substitution at nucleotide position 1418. The proline at codon 473 is replaced by leucine, an amino acid with similar properties. This amino acid position is conserved. In addition, this alteration is predicted to be tolerated by in silico analysis. Based on the available evidence, the clinical significance of this variant remains unclear.

Labcorp Genetics (formerly Invitae), Labcorp
Classification: Uncertain significance for Familial cancer of breast. Last evaluated: 2022-05-14. Review status: criteria provided, single submitter. Criteria: Invitae Variant Classification Sherloc (09022015). Collection method: clinical testing. Allele origin: germline.
Comment: In summary, the available evidence is currently insufficient to determine the role of this variant in disease. Therefore, it has been classified as a Variant of Uncertain Significance. Algorithms developed to predict the effect of missense changes on protein structure and function (SIFT, PolyPhen-2, Align-GVGD) all suggest that this variant is likely to be tolerated. ClinVar contains an entry for this variant (Variation ID: 1015217). This variant has not been reported in the literature in individuals affected with PALB2-related conditions. This variant is present in population databases (no rsID available, gnomAD 0.008%). This sequence change replaces proline, which is neutral and non-polar, with leucine, which is neutral and non-polar, at codon 473 of the PALB2 protein (p.Pro473Leu).